The following is an entry in ClinVar:

NM_006767.4(LZTR1):c.1126C>G (p.Gln376Glu)

Gene: LZTR1 (leucine zipper like post translational regulator 1; plus strand). Cytogenetic location: 22q11.21.
Variant type: single nucleotide variant.
Coding change: c.1126C>G on transcript NM_006767.4 (MANE Select); coding-DNA position 1126, C replaced by G.
Protein change: p.Gln376Glu; replaces glutamine 376 with glutamic acid.
Molecular consequence: missense variant.
Genome position (GRCh38, 1-based): chr22:20,992,346, C>G. VCF-style: chr22-20992346-C-G. GRCh37 (hg19) VCF-style: chr22-21346635-C-G.
Other names: short protein forms Q376E.
Identifiers: ClinVar variation 3238017 (VCV003238017.3), dbSNP rs772293748.

ClinVar aggregate classification (germline): Uncertain significance. Review status: criteria provided, multiple submitters, no conflicts (2 of 4 stars). 2 submissions from 2 submitters: Uncertain significance (2). Last evaluated 2025-09-24.

Conditions:
Hereditary cancer-predisposing syndrome. Also called: Neoplastic Syndromes, Hereditary; Tumor predisposition; Hereditary neoplastic syndrome; Hereditary Cancer Syndrome. Identifiers: Orphanet 140162, MedGen C0027672, MeSH D009386, MONDO:0015356.
Cardiovascular phenotype. Identifiers: MedGen CN230736.

Allele frequency attached by ClinVar (database versions not stated): ExAC 0.00001.

Submissions (2):

Labcorp Genetics (formerly Invitae), Labcorp
Classification: Uncertain significance. Last evaluated: 2025-09-24. Review status: criteria provided, single submitter. Criteria: Invitae Variant Classification Sherloc (09022015). Collection method: clinical testing. Allele origin: germline.
Comment: This sequence change replaces glutamine, which is neutral and polar, with glutamic acid, which is acidic and polar, at codon 376 of the LZTR1 protein (p.Gln376Glu). This variant is present in population databases (rs772293748, gnomAD 0.0009%). This variant has not been reported in the literature in individuals affected with LZTR1-related conditions. ClinVar contains an entry for this variant (Variation ID: 3238017). Invitae Evidence Modeling of protein sequence and biophysical properties (such as structural, functional, and spatial information, amino acid conservation, physicochemical variation, residue mobility, and thermodynamic stability) indicates that this missense variant is not expected to disrupt LZTR1 protein function with a negative predictive value of 80%. In summary, the available evidence is currently insufficient to determine the role of this variant in disease. Therefore, it has been classified as a Variant of Uncertain Significance.

Ambry Genetics
Classification: Uncertain significance for Cardiovascular phenotype; Hereditary cancer-predisposing syndrome. Last evaluated: 2023-10-22. Review status: criteria provided, single submitter. Criteria: Ambry Variant Classification Scheme 2023. Collection method: clinical testing. Allele origin: germline.
Comment: The p.Q376E variant (also known as c.1126C>G), located in coding exon 10 of the LZTR1 gene, results from a C to G substitution at nucleotide position 1126. The glutamine at codon 376 is replaced by glutamic acid, an amino acid with highly similar properties. This amino acid position is conserved. In addition, this alteration is predicted to be tolerated by in silico analysis. Since supporting evidence is limited at this time, the clinical significance of this alteration remains unclear.